The following is an entry in ClinVar:

ClinVar aggregate classification (germline): Uncertain significance (1 of 4 stars; one submission).

gnomAD v4.1: 1 of 1,614,128 alleles (0.000062%); highest among the groups gnomAD compares: Non-Finnish European, 0.000085%; no homozygotes.

Submission:

GeneDx
Classification: Uncertain significance. Last evaluated: 2026-09-03. Review status: criteria provided, single submitter. Criteria: GeneDx Variant Classification Process June 2021. Collection method: clinical testing. Allele origin: germline.
Comment: Not observed at significant frequency in large population cohorts (gnomAD); In silico analysis supports that this missense variant does not alter protein structure/function; Although located in a calcium-binding EGF-like domain of the FBN2 gene, it does not substitute or introduce a cysteine residue (PMID: 19006240, 18767143); Has not been previously published as pathogenic or benign to our knowledge; This variant is associated with the following publications: (PMID: 19006240, 18767143)

NM_001999.4(FBN2):c.8017C>G (p.Leu2673Val)

Gene: FBN2 (fibrillin 2; minus strand). Cytogenetic location: 5q23.3.
Variant type: single nucleotide variant.
Coding change: c.8017C>G on transcript NM_001999.4 (MANE Select); coding-DNA position 8017, C replaced by G.
Protein change: p.Leu2673Val; replaces leucine 2673 with valine.
Molecular consequence: missense variant.
Genome position (GRCh38, 1-based): chr5:128,263,600, G>C on the plus strand (C>G on the coding strand, the complement: FBN2 is on the minus strand). VCF-style: chr5-128263600-G-C. GRCh37 (hg19) VCF-style: chr5-127599292-G-C.
Other names: short protein forms L2673V.
Identifiers: ClinVar variation 3367448 (VCV003367448.2).
Genomic context (GRCh38, chr5:128,263,600, plus strand): 5'-AGGCACTGGAGAACTGGTCGAAGGAGAACCCCGAGGGGCAGGCGCACTTGTAACTCCCCA[G>C]GGTGTTGTAGCAGGAAGCAGAGCCACAGGCATTGGGATTGGAGCATTCATTCTCATCTAG-3'
Protein context (NP_001990.2, residues 2663-2683): ACGSASCYNT[Leu2673Val]GSYKCACPSG